The following is an entry in ClinVar:

ClinVar aggregate classification (germline): Uncertain significance (1 of 4 stars; one submission).

Conditions:
STING-associated vasculopathy with onset in infancy. Also called: Sting-associated vasculopathy, infantile-onset. Identifiers: Orphanet 425120, MedGen C4014722, MONDO:0014405, OMIM 615934.

Submission:

Labcorp Genetics (formerly Invitae), Labcorp
Classification: Uncertain significance for STING-associated vasculopathy with onset in infancy. Last evaluated: 2024-08-14. Review status: criteria provided, single submitter. Criteria: Invitae Variant Classification Sherloc (09022015). Collection method: clinical testing. Allele origin: germline.
Comment: This sequence change replaces cysteine, which is neutral and slightly polar, with tyrosine, which is neutral and polar, at codon 309 of the TMEM173 protein (p.Cys309Tyr). This variant is not present in population databases (gnomAD no frequency). This variant has not been reported in the literature in individuals affected with TMEM173-related conditions. Invitae Evidence Modeling of protein sequence and biophysical properties (such as structural, functional, and spatial information, amino acid conservation, physicochemical variation, residue mobility, and thermodynamic stability) indicates that this missense variant is not expected to disrupt TMEM173 protein function with a negative predictive value of 80%. In summary, the available evidence is currently insufficient to determine the role of this variant in disease. Therefore, it has been classified as a Variant of Uncertain Significance.

NM_198282.4(STING1):c.926G>A (p.Cys309Tyr)

Gene: STING1 (stimulator of interferon response cGAMP interactor 1; minus strand). Cytogenetic location: 5q31.2.
Variant type: single nucleotide variant.
Coding change: c.926G>A on transcript NM_198282.4 (MANE Select); coding-DNA position 926, G replaced by A.
Protein change: p.Cys309Tyr; replaces cysteine 309 with tyrosine.
Molecular consequence: missense variant. On other transcripts: intron variant (1).
Genome position (GRCh38, 1-based): chr5:139,477,349, C>T on the plus strand (G>A on the coding strand, the complement: STING1 is on the minus strand). VCF-style: chr5-139477349-C-T. GRCh37 (hg19) VCF-style: chr5-138856934-C-T.
Other names: c.569G>A, p.Cys190Tyr (NM_001367258.1); c.760-895G>A (NM_001301738.2); short protein forms C309Y, C190Y.
Identifiers: ClinVar variation 3662403 (VCV003662403.2).